The following is an entry in ClinVar:

ClinVar aggregate classification (germline): Pathogenic (1 of 4 stars; one submission).

Submission:

Labcorp Genetics (formerly Invitae), Labcorp
Classification: Pathogenic. Last evaluated: 2025-11-06. Review status: criteria provided, single submitter. Criteria: Invitae Variant Classification Sherloc (09022015). Collection method: clinical testing. Allele origin: germline.
Comment: This sequence change creates a premature translational stop signal (p.Cys732Trpfs*25) in the FRAS1 gene. It is expected to result in an absent or disrupted protein product. Loss-of-function variants in FRAS1 are known to be pathogenic (PMID: 12766769, 18671281). This variant is not present in population databases (gnomAD no frequency). This variant has not been reported in the literature in individuals affected with FRAS1-related conditions. For these reasons, this variant has been classified as Pathogenic.

Literature cited by the submitters: PubMed 12766769; PubMed 18671281.

NM_025074.7(FRAS1):c.2196_2197del (p.Cys732fs)

Gene: FRAS1 (Fraser extracellular matrix complex subunit 1; plus strand). Cytogenetic location: 4q21.21.
Variant type: Microsatellite.
Coding change: c.2196_2197del on transcript NM_025074.7 (MANE Select); coding-DNA positions 2196 to 2197, 2 bases deleted (TG; older notation c.2196_2197delTG).
Protein change: p.Cys732fs; shifts the reading frame from cysteine 732.
Molecular consequence: frameshift variant.
Genome position (GRCh38, 1-based): chr4:78,333,330-78,333,331, TG deleted; deleting any 2 consecutive bases within chr4:78,333,328-78,333,331 gives the same sequence; the c. name uses the placement nearest the transcript's 3' end. VCF-style (leftmost placement, unchanged base first): chr4-78333327-CTG-C. GRCh37 (hg19) VCF-style: chr4-79254481-CTG-C.
Other names: c.2196_2197del, p.Cys732fs (NM_001166133.2); short protein forms C732fs.
Identifiers: ClinVar variation 4730655 (VCV004730655.1).